The following is an entry in ClinVar:

ClinVar aggregate classification (germline): Uncertain significance. Review status: criteria provided, multiple submitters, no conflicts (2 of 4 stars). 5 submissions from 5 submitters: Uncertain significance (5). Last evaluated 2025-12-09.

Conditions:
Colorectal cancer. Also called: Colorectal cancer, somatic; Malignant Colorectal Neoplasm. Identifiers: MedGen C0346629, MONDO:0005575, OMIM 114500.
Hereditary cancer-predisposing syndrome. Also called: Hereditary neoplastic syndrome; Neoplastic Syndromes, Hereditary; Tumor predisposition; Hereditary Cancer Syndrome. Identifiers: Orphanet 140162, MedGen C0027672, MeSH D009386, MONDO:0015356.
Oligodontia-cancer predisposition syndrome. Also called: TOOTH AGENESIS-COLORECTAL CANCER SYNDROME. Identifiers: Orphanet 300576, MedGen C1837750, MONDO:0012075, OMIM 608615. Disease mechanism: loss of function.

Allele frequency attached by ClinVar (database versions not stated): TOPMed 0.00001.
gnomAD v4.1: 34 of 1,613,892 alleles (0.0021%); highest among the groups gnomAD compares: Non-Finnish European, 0.0028%; no homozygotes.

Submissions (5):

Labcorp Genetics (formerly Invitae), Labcorp
Classification: Uncertain significance for Oligodontia-cancer predisposition syndrome. Last evaluated: 2025-12-09. Review status: criteria provided, single submitter. Criteria: Invitae Variant Classification Sherloc (09022015). Collection method: clinical testing. Allele origin: germline.
Comment: This sequence change replaces threonine, which is neutral and polar, with serine, which is neutral and polar, at codon 33 of the AXIN2 protein (p.Thr33Ser). This variant is not present in population databases (gnomAD no frequency). This variant has not been reported in the literature in individuals affected with AXIN2-related conditions. ClinVar contains an entry for this variant (Variation ID: 533210). Invitae Evidence Modeling of protein sequence and biophysical properties (such as structural, functional, and spatial information, amino acid conservation, physicochemical variation, residue mobility, and thermodynamic stability) indicates that this missense variant is not expected to disrupt AXIN2 protein function with a negative predictive value of 80%. In summary, the available evidence is currently insufficient to determine the role of this variant in disease. Therefore, it has been classified as a Variant of Uncertain Significance.

Ambry Genetics
Classification: Uncertain significance for Hereditary cancer-predisposing syndrome. Last evaluated: 2025-05-31. Review status: criteria provided, single submitter. Criteria: Ambry Variant Classification Scheme 2023. Collection method: clinical testing. Allele origin: germline.
Comment: The p.T33S variant (also known as c.98C>G), located in coding exon 1 of the AXIN2 gene, results from a C to G substitution at nucleotide position 98. The threonine at codon 33 is replaced by serine, an amino acid with similar properties. This amino acid position is well conserved in available vertebrate species. In addition, this alteration is predicted to be tolerated by in silico analysis. Since supporting evidence is limited at this time, the clinical significance of this alteration remains unclear.

GeneDx
Classification: Uncertain significance. Last evaluated: 2024-06-10. Review status: criteria provided, single submitter. Criteria: GeneDx Variant Classification Process June 2021. Collection method: clinical testing. Allele origin: germline. Affected: yes.
Comment: Not observed at significant frequency in large population cohorts (gnomAD); In silico analysis indicates that this missense variant does not alter protein structure/function; Has not been previously published as pathogenic or benign to our knowledge

Fulgent Genetics
Classification: Uncertain significance for Colorectal cancer; Oligodontia-cancer predisposition syndrome. Last evaluated: 2024-05-02. Review status: criteria provided, single submitter. Criteria: ACMG Guidelines, 2015. Collection method: clinical testing. Allele origin: germline.

Baylor Genetics
Classification: Uncertain significance for Colorectal cancer. Last evaluated: 2024-03-09. Review status: criteria provided, single submitter. Criteria: ACMG Guidelines, 2015. Collection method: clinical testing. Allele origin: unknown.

NM_004655.4(AXIN2):c.98C>G (p.Thr33Ser)

Gene: AXIN2 (axin 2; minus strand). Cytogenetic location: 17q24.1.
Variant type: single nucleotide variant.
Coding change: c.98C>G on transcript NM_004655.4 (MANE Select); coding-DNA position 98, C replaced by G.
Protein change: p.Thr33Ser; replaces threonine 33 with serine.
Molecular consequence: missense variant.
Genome position (GRCh38, 1-based): chr17:65,558,523, G>C on the plus strand (C>G on the coding strand, the complement: AXIN2 is on the minus strand). VCF-style: chr17-65558523-G-C. GRCh37 (hg19) VCF-style: chr17-63554641-G-C.
Other names: c.98C>G (LRG_296t1); c.98C>G, p.Thr33Ser (NM_001363813.1); short protein forms T33S.
Identifiers: ClinVar variation 533210 (VCV000533210.16), dbSNP rs771093792, ClinGen allele CA400682195.
Genomic context (GRCh38, chr17:65,558,523, plus strand): 5'-GAAGAGACAGGCATGGGTTTGGTGACCTGGCCCTTGCCCACCCCTGGCTGACACGGTGGG[G>C]TCTCCCCTTCTTCCCCTGGCACTGGGGGCCGCGGGGCATCCTCACGGAAGCTGCTGCTGG-3'
Protein context (NP_004646.3, residues 23-43): RPPVPGEEGE[Thr33Ser]PPCQPGVGKG